The following is an entry in ClinVar:

NM_017686.4(GDAP2):c.1030+1G>T

Gene: GDAP2 (ganglioside induced differentiation associated protein 2; minus strand). Cytogenetic location: 1p12.
Variant type: single nucleotide variant.
Coding change: c.1030+1G>T on transcript NM_017686.4 (MANE Select); the canonical splice donor site of the intron after coding-DNA position 1030, G replaced by T.
Molecular consequence: splice donor variant.
Genome position (GRCh38, 1-based): chr1:117,887,697, C>A on the plus strand (G>T on the coding strand, the complement: GDAP2 is on the minus strand). VCF-style: chr1-117887697-C-A. GRCh37 (hg19) VCF-style: chr1-118430319-C-A.
Other names: c.1030+1G>T (NM_001135589.3).
Identifiers: ClinVar variation 2050821 (VCV002050821.1), dbSNP rs141678357, ClinGen allele CA30128404.

ClinVar aggregate classification (germline): Likely pathogenic (1 of 4 stars; one submission).

Allele frequency attached by ClinVar (database versions not stated): TOPMed below 0.00001; gnomAD exomes 0.00005; ESP Exome Variant Server 0.00015.

Submission:

Labcorp Genetics (formerly Invitae), Labcorp
Classification: Likely pathogenic. Last evaluated: 2022-07-05. Review status: criteria provided, single submitter. Criteria: Invitae Variant Classification Sherloc (09022015). Collection method: clinical testing. Allele origin: germline.
Comment: This sequence change affects a donor splice site in intron 9 of the GDAP2 gene. It is expected to disrupt RNA splicing. Variants that disrupt the donor or acceptor splice site typically lead to a loss of protein function (PMID: 16199547), and loss-of-function variants in GDAP2 are known to be pathogenic (PMID: 30084953, 32428220, 32437512). This variant is not present in population databases (gnomAD no frequency). This variant has not been reported in the literature in individuals affected with GDAP2-related conditions. Algorithms developed to predict the effect of sequence changes on RNA splicing suggest that this variant may disrupt the consensus splice site. In summary, the currently available evidence indicates that the variant is pathogenic, but additional data are needed to prove that conclusively. Therefore, this variant has been classified as Likely Pathogenic.

Literature cited by the submitters: PubMed 16199547; PubMed 30084953; PubMed 32428220; PubMed 32437512.